The following is an entry in ClinVar:

ClinVar aggregate classification (germline): Likely benign. Review status: criteria provided, multiple submitters, no conflicts (2 of 4 stars). 2 submissions from 2 submitters: Likely benign (2). Last evaluated 2026-06-01.

Conditions:
Arrhythmogenic cardiomyopathy with wooly hair and keratoderma. Also called: PALMOPLANTAR KERATODERMA WITH LEFT VENTRICULAR CARDIOMYOPATHY AND WOOLLY HAIR; Carvajal syndrome; Dilated cardiomyopathy with woolly hair and keratoderma; Arrhythmogenic cardiomyopathy with woolly hair and keratoderma. Identifiers: Orphanet 65282, MedGen C1854063, MONDO:0011581, OMIM 605676.
Cardiovascular phenotype. Identifiers: MedGen CN230736.

Submissions (2):

Ambry Genetics
Classification: Likely benign for Cardiovascular phenotype. Last evaluated: 2026-06-01. Review status: criteria provided, single submitter. Criteria: Ambry Variant Classification Scheme 2023. Collection method: clinical testing. Allele origin: germline.

All of Us Research Program, National Institutes of Health
Classification: Likely benign for Arrhythmogenic cardiomyopathy with wooly hair and keratoderma. Last evaluated: 2023-10-02. Review status: criteria provided, single submitter. Criteria: ACMG Guidelines, 2015. Collection method: clinical testing. Allele origin: germline. Inheritance: Autosomal dominant inheritance. Observed: 1 variant allele, 1 heterozygote.
Comment: This study involves interpretation of variants in research participants for the purpose of population health screening. Participant phenotype was not available at the time of variant classification. Additional details can be found in publication PMID: 35346344, PMCID: PMC8962531

NM_004415.4(DSP):c.1620C>T (p.Leu540=)

Gene: DSP (desmoplakin; plus strand). Cytogenetic location: 6p24.3.
Variant type: single nucleotide variant.
Coding change: c.1620C>T on transcript NM_004415.4 (MANE Select); coding-DNA position 1620, C replaced by T.
Protein change: p.Leu540=; no amino-acid change (leucine 540 retained).
Molecular consequence: synonymous variant.
Genome position (GRCh38, 1-based): chr6:7,570,482, C>T. VCF-style: chr6-7570482-C-T. GRCh37 (hg19) VCF-style: chr6-7570715-C-T.
Other names: c.1620C>T, p.Leu540= (NM_001008844.3, NM_001319034.2).
Identifiers: ClinVar variation 3073657 (VCV003073657.2), dbSNP rs2533890358, ClinGen allele CA448523904.